The following is an entry in ClinVar:

NM_002972.4(SBF1):c.3447del (p.Phe1150fs)

Gene: SBF1 (SET binding factor 1; minus strand). Cytogenetic location: 22q13.33.
Variant type: Deletion.
Coding change: c.3447del on transcript NM_002972.4 (MANE Select); coding-DNA position 3447, one base deleted (C; older notation c.3447delC).
Protein change: p.Phe1150fs; shifts the reading frame from phenylalanine 1150.
Molecular consequence: frameshift variant.
Genome position (GRCh38, 1-based): chr22:50,459,996, G deleted on the plus strand (C on the coding strand, the reverse complement: SBF1 is on the minus strand); the first of 3 consecutive G bases (chr22:50,459,996-50,459,998); deleting any one gives the same sequence. VCF-style (leftmost placement, unchanged base first): chr22-50459995-AG-A. GRCh37 (hg19) VCF-style: chr22-50898424-AG-A.
Other names: c.3450del, p.Phe1151fs (NM_001365819.1); c.3448delC, p.Phe1151Serfs (NM_001410794.1); c.3445delC, p.Phe1150Serfs (NM_001410795.1, NM_197971.1); short protein forms F1151fs, F1150fs.
Identifiers: ClinVar variation 2018292 (VCV002018292.4), dbSNP rs2521911503, ClinGen allele CA2580099983.

ClinVar aggregate classification (germline): Pathogenic (1 of 4 stars; one submission).

Submission:

Labcorp Genetics (formerly Invitae), Labcorp
Classification: Pathogenic. Last evaluated: 2022-07-20. Review status: criteria provided, single submitter. Criteria: Invitae Variant Classification Sherloc (09022015). Collection method: clinical testing. Allele origin: germline.
Comment: This sequence change creates a premature translational stop signal (p.Phe1150Serfs*20) in the SBF1 gene. It is expected to result in an absent or disrupted protein product. Loss-of-function variants in SBF1 are known to be pathogenic (PMID: 28005197, 28902413). This variant is not present in population databases (gnomAD no frequency). This variant has not been reported in the literature in individuals affected with SBF1-related conditions. For these reasons, this variant has been classified as Pathogenic.

Literature cited by the submitters: PubMed 28005197; PubMed 28902413.